The following is an entry in ClinVar:

ClinVar aggregate classification (germline): Conflicting classifications of pathogenicity. Review status: criteria provided, conflicting classifications (1 of 4 stars). 10 submissions from 10 submitters: Uncertain significance (5); Benign (1); Likely benign (2). 2 of the submissions do not count toward it. Last evaluated 2025-12-28.

Conditions:
Hereditary nonpolyposis colorectal neoplasms. Identifiers: MedGen C0009405, MeSH D003123.
Mismatch repair cancer syndrome 4. Identifiers: MedGen C5436817, MONDO:0030843, OMIM 619101.
Lynch syndrome 4 (LYNCH4). Also called: Colorectal cancer, hereditary nonpolyposis, type 4; Hereditary non-polyposis colorectal cancer, type 4. Identifiers: Orphanet 144, MedGen C1838333, MONDO:0013699, OMIM 614337. Disease mechanism: loss of function.
Ovarian cancer. Also called: OVARIAN CANCER, SOMATIC. Identifiers: Orphanet 213500, MedGen C1140680, MONDO:0008170, OMIM 167000.
Hereditary cancer-predisposing syndrome. Also called: Tumor predisposition; Hereditary neoplastic syndrome; Neoplastic Syndromes, Hereditary; Hereditary Cancer Syndrome. Identifiers: Orphanet 140162, MedGen C0027672, MeSH D009386, MONDO:0015356.
Hereditary breast ovarian cancer syndrome. Also called: Hereditary breast and ovarian cancer; Breast and ovarian cancer; Hereditary breast and ovarian cancer syndrome (HBOC); Hereditary breast and/or ovarian cancer syndrome; Hereditary breast and ovarian cancer syndrome; BRCA1- and BRCA2-Associated Hereditary Breast and Ovarian Cancer. Identifiers: Orphanet 145, MedGen C0677776, MeSH D061325, MONDO:0003582. Disease mechanism: loss of function.

Allele frequency attached by ClinVar (database versions not stated): gnomAD exomes 0.00001 and 0.00002; ExAC 0.00002; TOPMed 0.00002.
gnomAD v4.1: 7 of 1,613,498 alleles (0.00043%); highest among the groups gnomAD compares: East Asian, 0.011%; no homozygotes.

Submissions (10):

Labcorp Genetics (formerly Invitae), Labcorp
Classification: Uncertain significance for Hereditary nonpolyposis colorectal neoplasms. Last evaluated: 2025-12-28. Review status: criteria provided, single submitter. Criteria: Invitae Variant Classification Sherloc (09022015). Collection method: clinical testing. Allele origin: germline.
Comment: This sequence change replaces valine, which is neutral and non-polar, with isoleucine, which is neutral and non-polar, at codon 200 of the PMS2 protein (p.Val200Ile). This variant is present in population databases (rs587778620, gnomAD 0.02%). This missense change has been observed in individual(s) with breast cancer and pancreatic cancer (PMID: 35171259, 35449176). ClinVar contains an entry for this variant (Variation ID: 135070). Invitae Evidence Modeling incorporating data from in vitro experimental studies (internal data) indicates that this missense variant is not expected to disrupt PMS2 function with a negative predictive value of 95%. In summary, the available evidence is currently insufficient to determine the role of this variant in disease. Therefore, it has been classified as a Variant of Uncertain Significance.

Department of Pathology and Laboratory Medicine, Sinai Health System
Classification: Uncertain significance for Lynch syndrome 4; Mismatch repair cancer syndrome 4. Last evaluated: 2024-12-12. Review status: criteria provided, single submitter. Criteria: ACMG Guidelines, 2015. Collection method: clinical testing. Allele origin: germline.

Fulgent Genetics
Classification: Uncertain significance for Lynch syndrome 4; Mismatch repair cancer syndrome 4. Last evaluated: 2024-06-10. Review status: criteria provided, single submitter. Criteria: ACMG Guidelines, 2015. Collection method: clinical testing. Allele origin: germline.

Myriad Genetics, Inc.
Classification: Likely benign for Lynch syndrome 4. Last evaluated: 2023-04-04. Review status: criteria provided, single submitter. Criteria: Myriad Autosomal Dominant, Autosomal Recessive and X-Linked Classification Criteria (2023). Collection method: clinical testing. Allele origin: unknown.
Comment: This variant is considered likely benign. Homozygosity for this variant has been confirmed in one or more individuals lacking clinical features consistent with gene-specific recessive disease, indicating that this variant is unlikely to be pathogenic.

Laboratory of Molecular Epidemiology of Birth Defects, West China Second University Hospital, Sichuan University
Classification: Benign for Ovarian cancer. Last evaluated: 2022-01-01. Review status: criteria provided, single submitter. Criteria: ACMG Guidelines, 2015. Collection method: clinical testing. Allele origin: germline. Affected: yes.

Ambry Genetics
Classification: Likely benign for Hereditary cancer-predisposing syndrome. Last evaluated: 2021-07-09. Review status: criteria provided, single submitter. Criteria: Ambry Variant Classification Scheme 2023. Collection method: clinical testing. Allele origin: germline.

Cancer Genomics Group, Japanese Foundation For Cancer Research
Classification: Uncertain significance for Hereditary breast and ovarian cancer syndrome. Last evaluated: 2019-05-01. Review status: criteria provided, single submitter. Criteria: ACMG Guidelines, 2015. Collection method: research. Allele origin: germline. Affected: yes.

Color Diagnostics, LLC DBA Color Health
Classification: Uncertain significance for Hereditary cancer-predisposing syndrome. Last evaluated: 2019-01-19. Review status: criteria provided, single submitter. Criteria: ACMG Guidelines, 2015. Collection method: clinical testing. Allele origin: germline.

Counsyl
Classification: Uncertain significance for Lynch syndrome 4. Last evaluated: 2016-10-13. Review status: no assertion criteria provided. Collection method: clinical testing. Allele origin: unknown. Not counted in ClinVar's aggregate classification.

ITMI
No classification provided. Condition: AllHighlyPenetrant. Last evaluated: 2013-09-19. Review status: no classification provided. Collection method: reference population. Allele origin: germline. Not counted in ClinVar's aggregate classification.
Comment: Please see associated publication for description of ethnicities

Literature cited by the submitters: PubMed 35171259 (cited by Labcorp Genetics (formerly Invitae), Labcorp and Department of Pathology and Laboratory Medicine, Sinai Health System); PubMed 35449176 (cited by Labcorp Genetics (formerly Invitae), Labcorp and Department of Pathology and Laboratory Medicine, Sinai Health System); PubMed 24728327 (cited by ITMI).

NM_000535.7(PMS2):c.598G>A (p.Val200Ile)

Gene: PMS2 (PMS1 homolog 2, mismatch repair system component; minus strand). Cytogenetic location: 7p22.1.
Variant type: single nucleotide variant.
Coding change: c.598G>A on transcript NM_000535.7 (MANE Select); coding-DNA position 598, G replaced by A.
Protein change: p.Val200Ile; replaces valine 200 with isoleucine.
Molecular consequence: missense variant. On other transcripts: 5 prime UTR variant (2), non-coding transcript variant (1), intron variant (1).
Genome position (GRCh38, 1-based): chr7:5,999,215, C>T on the plus strand (G>A on the coding strand, the complement: PMS2 is on the minus strand). VCF-style: chr7-5999215-C-T. GRCh37 (hg19) VCF-style: chr7-6038846-C-T.
Other names: c.193G>A, p.Val65Ile (NM_001322003.2, NM_001322004.2, NM_001322005.2 and 2 more transcripts); c.598G>A, p.Val200Ile (NM_001322006.2, NM_001322014.2); c.280G>A, p.Val94Ile (NM_001322007.2, NM_001322008.2); c.-336G>A (NM_001322011.2, NM_001322012.2); c.289G>A, p.Val97Ile (NM_001322015.2); c.133-1792G>A (NM_001322013.2); short protein forms V200I, V97I, V65I, V94I.
Identifiers: ClinVar variation 135070 (VCV000135070.29), dbSNP rs587778620, ClinGen allele CA012369.